The following is an entry in ClinVar:

ClinVar aggregate classification (germline): Uncertain significance (1 of 4 stars; one submission).

Submission:

GeneDx
Classification: Uncertain significance. Last evaluated: 2026-03-13. Review status: criteria provided, single submitter. Criteria: GeneDx Variant Classification Process June 2021. Collection method: clinical testing. Allele origin: germline.
Comment: Not observed at significant frequency in large population cohorts (gnomAD); In silico analysis suggests that this missense variant does not alter protein structure/function; Has not been previously published as pathogenic or benign to our knowledge

NM_017934.7(PHIP):c.1771G>A (p.Val591Ile)

Gene: PHIP (PHIP subunit of CUL4-Ring ligase complex; minus strand). Cytogenetic location: 6q14.1.
Variant type: single nucleotide variant.
Coding change: c.1771G>A on transcript NM_017934.7 (MANE Select); coding-DNA position 1771, G replaced by A.
Protein change: p.Val591Ile; replaces valine 591 with isoleucine.
Molecular consequence: missense variant.
Genome position (GRCh38, 1-based): chr6:79,002,007, C>T on the plus strand (G>A on the coding strand, the complement: PHIP is on the minus strand). VCF-style: chr6-79002007-C-T. GRCh37 (hg19) VCF-style: chr6-79711724-C-T.
Other names: short protein forms V591I.
Identifiers: ClinVar variation 5009149 (VCV005009149.1).